The following is an entry in ClinVar:

ClinVar aggregate classification (germline): Uncertain significance. Review status: criteria provided, multiple submitters, no conflicts (2 of 4 stars). 2 submissions from 2 submitters: Uncertain significance (2). Last evaluated 2023-12-21.

Conditions:
Inborn genetic diseases. Identifiers: MedGen C0950123, MeSH D030342.

Allele frequency attached by ClinVar (database versions not stated): gnomAD exomes 0.00001 and 0.00002; ExAC 0.00002; TOPMed 0.00006; gnomAD 0.00008 and 0.00009; 1000 Genomes Project 0.00020; 1000 Genomes Project 30x 0.00047.
gnomAD v4.1: 22 of 1,612,778 alleles (0.0014%); highest among the groups gnomAD compares: African/African-American, 0.028%; no homozygotes.

Submissions (2):

Ambry Genetics
Classification: Uncertain significance for Inborn genetic diseases. Last evaluated: 2023-12-21. Review status: criteria provided, single submitter. Criteria: Ambry Variant Classification Scheme 2023. Collection method: clinical testing. Allele origin: germline.

Labcorp Genetics (formerly Invitae), Labcorp
Classification: Uncertain significance. Last evaluated: 2022-07-05. Review status: criteria provided, single submitter. Criteria: Invitae Variant Classification Sherloc (09022015). Collection method: clinical testing. Allele origin: germline.
Comment: This sequence change replaces proline, which is neutral and non-polar, with serine, which is neutral and polar, at codon 252 of the OBSL1 protein (p.Pro252Ser). This variant is present in population databases (rs201403113, gnomAD 0.03%). This variant has not been reported in the literature in individuals affected with OBSL1-related conditions. ClinVar contains an entry for this variant (Variation ID: 1468334). Algorithms developed to predict the effect of missense changes on protein structure and function are either unavailable or do not agree on the potential impact of this missense change (SIFT: "Tolerated"; PolyPhen-2: "Possibly Damaging"; Align-GVGD: "Class C0"). In summary, the available evidence is currently insufficient to determine the role of this variant in disease. Therefore, it has been classified as a Variant of Uncertain Significance.

NM_015311.3(OBSL1):c.754C>T (p.Pro252Ser)

Gene: OBSL1 (obscurin like cytoskeletal adaptor 1; minus strand). Cytogenetic location: 2q35.
Variant type: single nucleotide variant.
Coding change: c.754C>T on transcript NM_015311.3 (MANE Select); coding-DNA position 754, C replaced by T.
Protein change: p.Pro252Ser; replaces proline 252 with serine.
Molecular consequence: missense variant.
Genome position (GRCh38, 1-based): chr2:219,570,479, G>A on the plus strand (C>T on the coding strand, the complement: OBSL1 is on the minus strand). VCF-style: chr2-219570479-G-A. GRCh37 (hg19) VCF-style: chr2-220435201-G-A.
Other names: c.754C>T, p.Pro252Ser (NM_001173408.2, NM_001173431.2); c.754C>T (NM_015311.2); short protein forms P252S.
Identifiers: ClinVar variation 1468334 (VCV001468334.5), dbSNP rs201403113, ClinGen allele CA2131741.